The following is an entry in ClinVar:

ClinVar aggregate classification (germline): Uncertain significance. Review status: criteria provided, multiple submitters, no conflicts (2 of 4 stars). 2 submissions from 2 submitters: Uncertain significance (2). Last evaluated 2024-10-17.

Submissions (2):

Blueprint Genetics
Classification: Uncertain significance. Last evaluated: 2024-10-17. Review status: criteria provided, single submitter. Criteria: ACMG Guidelines, 2015. Collection method: clinical testing. Allele origin: germline.

Labcorp Genetics (formerly Invitae), Labcorp
Classification: Uncertain significance. Last evaluated: 2024-01-31. Review status: criteria provided, single submitter. Criteria: Invitae Variant Classification Sherloc (09022015). Collection method: clinical testing. Allele origin: germline.
Comment: This sequence change replaces isoleucine, which is neutral and non-polar, with threonine, which is neutral and polar, at codon 266 of the MARS2 protein (p.Ile266Thr). This variant is present in population databases (rs373310642, gnomAD 0.005%). This variant has not been reported in the literature in individuals affected with MARS2-related conditions. Advanced modeling of protein sequence and biophysical properties (such as structural, functional, and spatial information, amino acid conservation, physicochemical variation, residue mobility, and thermodynamic stability) performed at Invitae indicates that this missense variant is expected to disrupt MARS2 protein function with a positive predictive value of 80%. In summary, the available evidence is currently insufficient to determine the role of this variant in disease. Therefore, it has been classified as a Variant of Uncertain Significance.

NM_138395.4(MARS2):c.797T>C (p.Ile266Thr)

Gene: MARS2 (methionyl-tRNA synthetase 2, mitochondrial; plus strand). Cytogenetic location: 2q33.1.
Variant type: single nucleotide variant.
Coding change: c.797T>C on transcript NM_138395.4 (MANE Select); coding-DNA position 797, T replaced by C.
Protein change: p.Ile266Thr; replaces isoleucine 266 with threonine.
Molecular consequence: missense variant.
Genome position (GRCh38, 1-based): chr2:197,706,202, T>C. VCF-style: chr2-197706202-T-C. GRCh37 (hg19) VCF-style: chr2-198570926-T-C.
Other names: short protein forms I266T.
Identifiers: ClinVar variation 3711093 (VCV003711093.3).
Genomic context (GRCh38, chr2:197,706,202, plus strand): 5'-TGGACGAGGAGCTGCCCGACCTGTCCGTGTCTCGCAGAAGTAGCCACTTGCACTGGGGCA[T>C]TCCGGTGCCCGGGGATGATTCGCAGACCATCTATGTATGGCTGGATGCCCTGGTCAACTA-3'
Protein context (NP_612404.1, residues 256-276): SRRSSHLHWG[Ile266Thr]PVPGDDSQTI